The following is an entry in ClinVar:

ClinVar aggregate classification (germline): Likely pathogenic. Review status: criteria provided, multiple submitters, no conflicts (2 of 4 stars). 3 submissions from 3 submitters: Likely pathogenic (3). Last evaluated 2024-06-04.

Conditions:
Abetalipoproteinaemia (ABL). Also called: MTP DEFICIENCY; Abetalipoproteinemia; Abetalipoproteinemia neuropathy; Apolipoprotein B deficiency; Congenital betalipoprotein deficiency syndrome. Identifiers: Orphanet 14, MedGen C0000744, MONDO:0008692, OMIM 200100, HP:0008181.

Allele frequency attached by ClinVar (database versions not stated): gnomAD exomes 0.00001; ExAC 0.00002; gnomAD 0.00002; TOPMed 0.00002.
gnomAD v4.1: 3 of 1,612,764 alleles (0.00019%); highest among the groups gnomAD compares: African/African-American, 0.004%; no homozygotes.

Submissions (3):

Natera, Inc.
Classification: Likely pathogenic for Abetalipoproteinemia. Last evaluated: 2024-06-04. Review status: criteria provided, single submitter. Criteria: Natera Variant Classification Schema (03/2026). Collection method: clinical testing. Allele origin: germline.
Comment: The c.1067+1G>C variant in MTTP is a canonical splice donor site variant predicted to affect pre-mRNA splicing, which may result in an abnormal transcript and altered protein product. This variant is expected to result in nonsense mediated decay, truncation, or a dysfunctional protein product. This variant is rare in the general population with a frequency below the threshold expected for the associated phenotype(s). Given the available evidence, this variant is classified as Likely Pathogenic.

Fulgent Genetics
Classification: Likely pathogenic for Abetalipoproteinaemia. Last evaluated: 2024-01-12. Review status: criteria provided, single submitter. Criteria: ACMG Guidelines, 2015. Collection method: clinical testing. Allele origin: germline.

Labcorp Genetics (formerly Invitae), Labcorp
Classification: Likely pathogenic. Last evaluated: 2023-06-15. Review status: criteria provided, single submitter. Criteria: Invitae Variant Classification Sherloc (09022015). Collection method: clinical testing. Allele origin: germline.
Comment: In summary, the currently available evidence indicates that the variant is pathogenic, but additional data are needed to prove that conclusively. Therefore, this variant has been classified as Likely Pathogenic. Algorithms developed to predict the effect of sequence changes on RNA splicing suggest that this variant may disrupt the consensus splice site. ClinVar contains an entry for this variant (Variation ID: 1066159). This variant has not been reported in the literature in individuals affected with MTTP-related conditions. This variant is present in population databases (rs752343394, gnomAD 0.01%). This sequence change affects a donor splice site in intron 9 of the MTTP gene. It is expected to disrupt RNA splicing. Variants that disrupt the donor or acceptor splice site typically lead to a loss of protein function (PMID: 16199547), and loss-of-function variants in MTTP are known to be pathogenic (PMID: 8533758, 9671739).

Literature cited by the submitters: PubMed 16199547 (cited by Labcorp Genetics (formerly Invitae), Labcorp); PubMed 8533758 (cited by Labcorp Genetics (formerly Invitae), Labcorp); PubMed 9671739 (cited by Labcorp Genetics (formerly Invitae), Labcorp).

NM_001386140.1(MTTP):c.1067+1G>C

Gene: MTTP (microsomal triglyceride transfer protein; plus strand). Cytogenetic location: 4q23.
Variant type: single nucleotide variant.
Coding change: c.1067+1G>C on transcript NM_001386140.1 (MANE Select); the canonical splice donor site of the intron after coding-DNA position 1067, G replaced by C.
Molecular consequence: splice donor variant.
Genome position (GRCh38, 1-based): chr4:99,597,225, G>C. VCF-style: chr4-99597225-G-C. GRCh37 (hg19) VCF-style: chr4-100518382-G-C.
Other names: c.1067+1G>C (NM_000253.3, NM_000253.4); c.818+1G>C (NM_001300785.2).
Identifiers: ClinVar variation 1066159 (VCV001066159.7), dbSNP rs752343394, ClinGen allele CA3022015.